The following is an entry in ClinVar:

NM_001127198.5(TMC6):c.170G>A (p.Arg57Gln)

Gene: TMC6 (transmembrane channel like 6; minus strand). Cytogenetic location: 17q25.3.
Variant type: single nucleotide variant.
Coding change: c.170G>A on transcript NM_001127198.5 (MANE Select); coding-DNA position 170, G replaced by A.
Protein change: p.Arg57Gln; replaces arginine 57 with glutamine.
Molecular consequence: missense variant. On other transcripts: non-coding transcript variant (4).
Genome position (GRCh38, 1-based): chr17:78,126,535, C>T on the plus strand (G>A on the coding strand, the complement: TMC6 is on the minus strand). VCF-style: chr17-78126535-C-T. GRCh37 (hg19) VCF-style: chr17-76122616-C-T.
Other names: c.170G>A, p.Arg57Gln (NM_001321185.1, NM_001374593.1, NM_001374594.1 and 4 more transcripts); c.170G>A (NM_007267.6); short protein forms R57Q.
Identifiers: ClinVar variation 1433646 (VCV001433646.9), dbSNP rs1036125960, ClinGen allele CA294356790.

ClinVar aggregate classification (germline): Conflicting classifications of pathogenicity. Review status: criteria provided, conflicting classifications (1 of 4 stars). 2 submissions from 2 submitters: Uncertain significance (1); Likely benign (1). Last evaluated 2024-01-03.

Conditions:
Epidermodysplasia verruciformis. Identifiers: Orphanet 302, MedGen C0014522, MONDO:0009176.
Inborn genetic diseases. Identifiers: MedGen C0950123, MeSH D030342.

Allele frequency attached by ClinVar (database versions not stated): TOPMed below 0.00001; gnomAD 0.00001.

Submissions (2):

Ambry Genetics
Classification: Likely benign for Inborn genetic diseases. Last evaluated: 2024-01-03. Review status: criteria provided, single submitter. Criteria: Ambry Variant Classification Scheme 2023. Collection method: clinical testing. Allele origin: germline.

Labcorp Genetics (formerly Invitae), Labcorp
Classification: Uncertain significance for Epidermodysplasia verruciformis. Last evaluated: 2022-11-01. Review status: criteria provided, single submitter. Criteria: Invitae Variant Classification Sherloc (09022015). Collection method: clinical testing. Allele origin: germline.
Comment: In summary, the available evidence is currently insufficient to determine the role of this variant in disease. Therefore, it has been classified as a Variant of Uncertain Significance. Algorithms developed to predict the effect of missense changes on protein structure and function output the following: SIFT: "Not Available"; PolyPhen-2: "Benign"; Align-GVGD: "Not Available". The glutamine amino acid residue is found in multiple mammalian species, which suggests that this missense change does not adversely affect protein function. ClinVar contains an entry for this variant (Variation ID: 1433646). This variant has not been reported in the literature in individuals affected with TMC6-related conditions. This variant is present in population databases (no rsID available, gnomAD 0.007%). This sequence change replaces arginine, which is basic and polar, with glutamine, which is neutral and polar, at codon 57 of the TMC6 protein (p.Arg57Gln).